The following is an entry in ClinVar:

ClinVar aggregate classification (germline): Uncertain significance (1 of 4 stars; one submission).

Conditions:
Welander distal myopathy (WDM). Also called: MUSCULAR DYSTROPHY, DISTAL, LATE-ONSET, AUTOSOMAL DOMINANT; Gower's muscular dystrophy; Welander distal myopathy, Swedish type; Distal myopathy, Swedish type. Identifiers: Orphanet 603, MedGen C0221054, MONDO:0011466, OMIM 604454.

Submission:

Labcorp Genetics (formerly Invitae), Labcorp
Classification: Uncertain significance for Welander distal myopathy. Last evaluated: 2022-12-31. Review status: criteria provided, single submitter. Criteria: Invitae Variant Classification Sherloc (09022015). Collection method: clinical testing. Allele origin: germline.
Comment: This sequence change replaces tyrosine, which is neutral and polar, with cysteine, which is neutral and slightly polar, at codon 313 of the TIA1 protein (p.Tyr313Cys). In summary, the available evidence is currently insufficient to determine the role of this variant in disease. Therefore, it has been classified as a Variant of Uncertain Significance. Algorithms developed to predict the effect of missense changes on protein structure and function are either unavailable or do not agree on the potential impact of this missense change (SIFT: "Tolerated"; PolyPhen-2: "Probably Damaging"; Align-GVGD: "Class C0"). This variant has not been reported in the literature in individuals affected with TIA1-related conditions. This variant is not present in population databases (gnomAD no frequency).

NM_022173.4(TIA1):c.938A>G (p.Tyr313Cys)

Gene: TIA1 (TIA1 cytotoxic granule associated RNA binding protein; minus strand). Cytogenetic location: 2p13.3.
Variant type: single nucleotide variant.
Coding change: c.938A>G on transcript NM_022173.4 (MANE Select); coding-DNA position 938, A replaced by G.
Protein change: p.Tyr313Cys; replaces tyrosine 313 with cysteine.
Molecular consequence: missense variant. On other transcripts: non-coding transcript variant (17).
Genome position (GRCh38, 1-based): chr2:70,214,445, T>C on the plus strand (A>G on the coding strand, the complement: TIA1 is on the minus strand). VCF-style: chr2-70214445-T-C. GRCh37 (hg19) VCF-style: chr2-70441577-T-C.
Other names: c.935A>G, p.Tyr312Cys (NM_001351508.2); c.911A>G, p.Tyr304Cys (NM_001351509.2); c.902A>G, p.Tyr301Cys (NM_001351510.2); c.827A>G, p.Tyr276Cys (NM_001351511.1); c.800A>G, p.Tyr267Cys (NM_001351512.1); c.794A>G, p.Tyr265Cys (NM_001351513.1); c.710A>G, p.Tyr237Cys (NM_001351514.2); c.635A>G, p.Tyr212Cys (NM_001351515.2); and 3 more; short protein forms Y173C, Y212C, Y267C, Y302C, Y301C, Y237C, Y265C, Y276C.
Identifiers: ClinVar variation 2910845 (VCV002910845.3), dbSNP rs2466463985, ClinGen allele CA347150168.